The following is an entry in ClinVar:

ClinVar aggregate classification (germline): Uncertain significance (1 of 4 stars; one submission).

Conditions:
Tall stature-scoliosis-macrodactyly of the great toes syndrome. Also called: Epiphyseal chondrodysplasia, miura type. Identifiers: Orphanet 329191, MedGen C4014690, MONDO:0014401, OMIM 615923.
Acromesomelic dysplasia 1, Maroteaux type (AMD1). Also called: ST. HELENA DYSPLASIA; ACROMESOMELIC DYSPLASIA 1. Identifiers: Orphanet 40, MedGen C1864356, MONDO:0011275, OMIM 602875.

Submission:

Labcorp Genetics (formerly Invitae), Labcorp
Classification: Uncertain significance for Tall stature-scoliosis-macrodactyly of the great toes syndrome; Acromesomelic dysplasia 1, Maroteaux type. Last evaluated: 2024-05-04. Review status: criteria provided, single submitter. Criteria: Invitae Variant Classification Sherloc (09022015). Collection method: clinical testing. Allele origin: germline.
Comment: This sequence change falls in intron 8 of the NPR2 gene. It does not directly change the encoded amino acid sequence of the NPR2 protein. It affects a nucleotide within the consensus splice site. This variant is not present in population databases (gnomAD no frequency). This variant has not been reported in the literature in individuals affected with NPR2-related conditions. Variants that disrupt the consensus splice site are a relatively common cause of aberrant splicing (PMID: 17576681, 9536098). Algorithms developed to predict the effect of sequence changes on RNA splicing suggest that this variant may create or strengthen a splice site. In summary, the available evidence is currently insufficient to determine the role of this variant in disease. Therefore, it has been classified as a Variant of Uncertain Significance.

Literature cited by the submitters: PubMed 17576681; PubMed 9536098.

NM_003995.4(NPR2):c.1557+6C>T

Gene: NPR2 (natriuretic peptide receptor 2; plus strand). Cytogenetic location: 9p13.3.
Variant type: single nucleotide variant.
Coding change: c.1557+6C>T on transcript NM_003995.4 (MANE Select); 6 bases into the intron after coding-DNA position 1557, C replaced by T.
Molecular consequence: intron variant.
Genome position (GRCh38, 1-based): chr9:35,801,769, C>T. VCF-style: chr9-35801769-C-T. GRCh37 (hg19) VCF-style: chr9-35801766-C-T.
Other names: c.1566+6C>T (NM_001378923.1).
Identifiers: ClinVar variation 3756189 (VCV003756189.2).